The following is an entry in ClinVar:

ClinVar aggregate classification (germline): Uncertain significance (1 of 4 stars; one submission).

Conditions:
Inborn genetic diseases. Identifiers: MedGen C0950123, MeSH D030342.

Submission:

Ambry Genetics
Classification: Uncertain significance for Inborn genetic diseases. Last evaluated: 2025-04-03. Review status: criteria provided, single submitter. Criteria: Ambry Variant Classification Scheme 2023. Collection method: clinical testing. Allele origin: germline.
Comment: The p.V24M variant (also known as c.70G>A), located in coding exon 2 of the ETV6 gene, results from a G to A substitution at nucleotide position 70. The valine at codon 24 is replaced by methionine, an amino acid with highly similar properties. This amino acid position is conserved. In addition, this alteration is predicted to be tolerated by in silico analysis. Based on the available evidence, the clinical significance of this variant remains unclear.

NM_001987.5(ETV6):c.70G>A (p.Val24Met)

Gene: ETV6 (ETS variant transcription factor 6; plus strand). Cytogenetic location: 12p13.2.
Variant type: single nucleotide variant.
Coding change: c.70G>A on transcript NM_001987.5 (MANE Select); coding-DNA position 70, G replaced by A.
Protein change: p.Val24Met; replaces valine 24 with methionine.
Molecular consequence: missense variant. On other transcripts: intron variant (1).
Genome position (GRCh38, 1-based): chr12:11,752,486, G>A. VCF-style: chr12-11752486-G-A. GRCh37 (hg19) VCF-style: chr12-11905420-G-A.
Other names: c.67G>A, p.Val23Met (NM_001413913.1); c.43G>A, p.Val15Met (NM_001413914.1); c.70G>A, p.Val24Met (NM_001413916.1, NM_001413917.1, NM_001413918.1); c.-101-86654G>A (NM_001413915.1); short protein forms V15M, V24M, V23M.
Identifiers: ClinVar variation 4020053 (VCV004020053.1).